The following is an entry in ClinVar:

ClinVar aggregate classification (germline): Uncertain significance. Review status: criteria provided, multiple submitters, no conflicts (2 of 4 stars). 2 submissions from 2 submitters: Uncertain significance (2). Last evaluated 2024-06-07.

Conditions:
Hereditary cancer-predisposing syndrome. Also called: Hereditary Cancer Syndrome; Neoplastic Syndromes, Hereditary; Tumor predisposition; Hereditary neoplastic syndrome. Identifiers: Orphanet 140162, MedGen C0027672, MeSH D009386, MONDO:0015356.
Familial cancer of breast. Also called: BREAST CANCER, FAMILIAL; Hereditary breast cancer; hereditary breast carcinoma. Identifiers: Orphanet 227535, MedGen C0346153, MONDO:0016419, OMIM 114480. Disease mechanism: loss of function.

Submissions (2):

Ambry Genetics
Classification: Uncertain significance for Hereditary cancer-predisposing syndrome. Last evaluated: 2024-06-07. Review status: criteria provided, single submitter. Criteria: Ambry Variant Classification Scheme 2023. Collection method: clinical testing. Allele origin: germline.
Comment: The p.G741V variant (also known as c.2222G>T), located in coding exon 5 of the PALB2 gene, results from a G to T substitution at nucleotide position 2222. The glycine at codon 741 is replaced by valine, an amino acid with dissimilar properties. This amino acid position is poorly conserved in available vertebrate species. In addition, this alteration is predicted to be tolerated by in silico analysis. Since supporting evidence is limited at this time, the clinical significance of this alteration remains unclear.

Labcorp Genetics (formerly Invitae), Labcorp
Classification: Uncertain significance for Familial cancer of breast. Last evaluated: 2022-09-01. Review status: criteria provided, single submitter. Criteria: Invitae Variant Classification Sherloc (09022015). Collection method: clinical testing. Allele origin: germline.
Comment: In summary, the available evidence is currently insufficient to determine the role of this variant in disease. Therefore, it has been classified as a Variant of Uncertain Significance. Algorithms developed to predict the effect of missense changes on protein structure and function output the following: SIFT: "Deleterious"; PolyPhen-2: "Benign"; Align-GVGD: "Class C0". The valine amino acid residue is found in multiple mammalian species, which suggests that this missense change does not adversely affect protein function. ClinVar contains an entry for this variant (Variation ID: 480295). This variant has not been reported in the literature in individuals affected with PALB2-related conditions. This variant is not present in population databases (gnomAD no frequency). This sequence change replaces glycine, which is neutral and non-polar, with valine, which is neutral and non-polar, at codon 741 of the PALB2 protein (p.Gly741Val).

NM_024675.4(PALB2):c.2222G>T (p.Gly741Val)

Gene: PALB2 (partner and localizer of BRCA2; minus strand). Cytogenetic location: 16p12.2.
Variant type: single nucleotide variant.
Coding change: c.2222G>T on transcript NM_024675.4 (MANE Select); coding-DNA position 2222, G replaced by T.
Protein change: p.Gly741Val; replaces glycine 741 with valine.
Molecular consequence: missense variant.
Genome position (GRCh38, 1-based): chr16:23,629,932, C>A on the plus strand (G>T on the coding strand, the complement: PALB2 is on the minus strand). VCF-style: chr16-23629932-C-A. GRCh37 (hg19) VCF-style: chr16-23641253-C-A.
Other names: short protein forms G741V.
Identifiers: ClinVar variation 480295 (VCV000480295.13), dbSNP rs755907224, ClinGen allele CA395125546.
Genomic context (GRCh38, chr16:23,629,932, plus strand): 5'-GCAAGTTGGGGTGTGCAGCAAGTTCGTCCAGCAACTTCTGTAGATGCTTTTTCATAGGAG[C>A]CTTGAGGGCCAAAGGCTGGAGTAGTACCTAAGATGGGGAAAGCAGGTGAACACATGTCTG-3'
Protein context (NP_078951.2, residues 731-751): LGTTPAFGPQ[Gly741Val]SYEKASTEVA